The following is an entry in ClinVar:

ClinVar aggregate classification (germline): Benign/Likely benign. Review status: criteria provided, multiple submitters, no conflicts (2 of 4 stars). 2 submissions from 2 submitters: Benign (1); Likely benign (1). Last evaluated 2025-08-04.

Conditions:
FLI1-related disorder. Also called: FLI1-related condition.

gnomAD v4.1: 23 of 1,613,826 alleles (0.0014%); highest among the groups gnomAD compares: East Asian, 0.024%; no homozygotes.

Submissions (2):

Labcorp Genetics (formerly Invitae), Labcorp
Classification: Benign. Last evaluated: 2025-08-04. Review status: criteria provided, single submitter. Criteria: Invitae Variant Classification Sherloc (09022015). Collection method: clinical testing. Allele origin: germline.

PreventionGenetics, part of Exact Sciences
Classification: Likely benign for FLI1-related condition. Last evaluated: 2024-11-20. Review status: criteria provided, single submitter. Criteria: ACMG Guidelines, 2015. Collection method: clinical testing. Allele origin: germline.
Comment: This variant is classified as likely benign based on ACMG/AMP sequence variant interpretation guidelines (Richards et al. 2015 PMID: 25741868, with internal and published modifications).

NM_002017.5(FLI1):c.393A>G (p.Thr131=)

Gene: FLI1 (Fli-1 proto-oncogene, ETS transcription factor; plus strand). Cytogenetic location: 11q24.3.
Variant type: single nucleotide variant.
Coding change: c.393A>G on transcript NM_002017.5 (MANE Select); coding-DNA position 393, A replaced by G.
Protein change: p.Thr131=; no amino-acid change (threonine 131 retained).
Molecular consequence: synonymous variant. On other transcripts: intron variant (1).
Genome position (GRCh38, 1-based): chr11:128,772,789, A>G. VCF-style: chr11-128772789-A-G. GRCh37 (hg19) VCF-style: chr11-128642684-A-G.
Other names: c.294A>G, p.Thr98= (NM_001167681.3, NM_001440369.1, NM_001440370.1 and 1 more transcripts); c.195A>G, p.Thr65= (NM_001271010.2); c.393A>G, p.Thr131= (NM_001440372.1); c.11-9169A>G (NM_001271012.2); c.393A>G (NM_002017.4).
Identifiers: ClinVar variation 4781643 (VCV004781643.2).